The following is an entry in ClinVar:

NM_001257096.2(PAX1):c.275C>A (p.Pro92Gln)

Gene: PAX1 (paired box 1; plus strand). Cytogenetic location: 20p11.22.
Variant type: single nucleotide variant.
Coding change: c.275C>A on transcript NM_001257096.2 (MANE Select); coding-DNA position 275, C replaced by A.
Protein change: p.Pro92Gln; replaces proline 92 with glutamine.
Molecular consequence: missense variant.
Genome position (GRCh38, 1-based): chr20:21,705,987, C>A. VCF-style: chr20-21705987-C-A. GRCh37 (hg19) VCF-style: chr20-21686625-C-A.
Other names: c.275C>A, p.Pro92Gln (NM_006192.5); short protein forms P92Q.
Identifiers: ClinVar variation 1973826 (VCV001973826.5), dbSNP rs1489682624, ClinGen allele CA408497213.

ClinVar aggregate classification (germline): Uncertain significance (1 of 4 stars; one submission).

gnomAD v4.1: 12 of 1,479,546 alleles (0.00081%); highest among the groups gnomAD compares: East Asian, 0.0026%; no homozygotes.

Submission:

Labcorp Genetics (formerly Invitae), Labcorp
Classification: Uncertain significance. Last evaluated: 2025-01-27. Review status: criteria provided, single submitter. Criteria: Invitae Variant Classification Sherloc (09022015). Collection method: clinical testing. Allele origin: germline.
Comment: This sequence change replaces proline, which is neutral and non-polar, with glutamine, which is neutral and polar, at codon 92 of the PAX1 protein (p.Pro92Gln). The frequency data for this variant in the population databases is considered unreliable, as metrics indicate poor data quality at this position in the gnomAD database. This variant has not been reported in the literature in individuals affected with PAX1-related conditions. ClinVar contains an entry for this variant (Variation ID: 1973826). Invitae Evidence Modeling of protein sequence and biophysical properties (such as structural, functional, and spatial information, amino acid conservation, physicochemical variation, residue mobility, and thermodynamic stability) indicates that this missense variant is not expected to disrupt PAX1 protein function with a negative predictive value of 80%. In summary, the available evidence is currently insufficient to determine the role of this variant in disease. Therefore, it has been classified as a Variant of Uncertain Significance.